The following is an entry in ClinVar:

NM_000283.4(PDE6B):c.1171AAG[1] (p.Lys392del)

Gene: PDE6B (phosphodiesterase 6B; plus strand). Cytogenetic location: 4p16.3.
Variant type: Microsatellite.
Coding change: c.1171AAG[1] on transcript NM_000283.4 (MANE Select); one copy of the 3-base unit AAG starting at c.1171; the reference has two copies in a row; one copy, 3 bases deleted.
Protein change: p.Lys392del; deletes lysine 392.
Molecular consequence: inframe deletion.
Genome position (GRCh38, 1-based): chr4:656,940-656,942, AAG deleted; deleting any 3 consecutive bases within chr4:656,937-656,942 gives the same sequence; the position shown is the placement nearest the transcript's 3' end. VCF-style (leftmost placement, unchanged base first): chr4-656936-CAAG-C. GRCh37 (hg19) VCF-style: chr4-650725-CAAG-C.
Other names: c.1171AAG[1], p.Lys392del (NM_001145291.2); c.334AAG[1], p.Lys113del (NM_001145292.2, NM_001350154.3, NM_001379246.1 and 1 more transcripts); c.16AAG[1], p.Lys7del (NM_001350155.3); short protein forms K392del, K113del, K7del.
Identifiers: ClinVar variation 1347576 (VCV001347576.6), dbSNP rs757388131, ClinGen allele CA2794381.
Genomic context (GRCh38, chr4:656,936, plus strand): 5'-AGGGGCCCTGGACGACTCCGGGTGGCTCATCAAGAATGTGCTGTCCATGCCCATCGTCAA[CAAG>C]AAGGAGGAGATTGTGGGAGTCGCCACATTTTACAACAGGAAAGACGGGAAGCCCTTTGAC-3'

ClinVar aggregate classification (germline): Uncertain significance (1 of 4 stars; one submission).

Submission:

Labcorp Genetics (formerly Invitae), Labcorp
Classification: Uncertain significance. Last evaluated: 2021-12-27. Review status: criteria provided, single submitter. Criteria: Invitae Variant Classification Sherloc (09022015). Collection method: clinical testing. Allele origin: germline.
Comment: Experimental studies and prediction algorithms are not available or were not evaluated, and the functional significance of this variant is currently unknown. In summary, the available evidence is currently insufficient to determine the role of this variant in disease. Therefore, it has been classified as a Variant of Uncertain Significance. This variant has not been reported in the literature in individuals affected with PDE6B-related conditions. This variant is present in population databases (rs757388131, gnomAD 0.02%). This variant, c.1174_1176del, results in the deletion of 1 amino acid(s) of the PDE6B protein (p.Lys392del), but otherwise preserves the integrity of the reading frame.